The following is an entry in ClinVar:

ClinVar aggregate classification (germline): Uncertain significance. Review status: criteria provided, multiple submitters, no conflicts (2 of 4 stars). 2 submissions from 2 submitters: Uncertain significance (2). Last evaluated 2025-04-21.

Conditions:
Inborn genetic diseases. Identifiers: MedGen C0950123, MeSH D030342.

gnomAD v4.1: 32 of 1,612,618 alleles (0.002%); highest among the groups gnomAD compares: Non-Finnish European, 0.0027%; no homozygotes.

Submissions (2):

Ambry Genetics
Classification: Uncertain significance for Inborn genetic diseases. Last evaluated: 2025-04-21. Review status: criteria provided, single submitter. Criteria: Ambry Variant Classification Scheme 2023. Collection method: clinical testing. Allele origin: germline.

Labcorp Genetics (formerly Invitae), Labcorp
Classification: Uncertain significance. Last evaluated: 2025-04-17. Review status: criteria provided, single submitter. Criteria: Invitae Variant Classification Sherloc (09022015). Collection method: clinical testing. Allele origin: germline.
Comment: This sequence change replaces lysine, which is basic and polar, with asparagine, which is neutral and polar, at codon 2166 of the ITPR1 protein (p.Lys2166Asn). The frequency data for this variant in the population databases is considered unreliable, as metrics indicate poor data quality at this position in the gnomAD database. This variant has not been reported in the literature in individuals affected with ITPR1-related conditions. Invitae Evidence Modeling of protein sequence and biophysical properties (such as structural, functional, and spatial information, amino acid conservation, physicochemical variation, residue mobility, and thermodynamic stability) indicates that this missense variant is not expected to disrupt ITPR1 protein function with a negative predictive value of 95%. In summary, the available evidence is currently insufficient to determine the role of this variant in disease. Therefore, it has been classified as a Variant of Uncertain Significance.

NM_001378452.1(ITPR1):c.6687G>T (p.Lys2229Asn)

Gene: ITPR1 (inositol 1,4,5-trisphosphate receptor type 1; plus strand). Cytogenetic location: 3p26.1.
Variant type: single nucleotide variant.
Coding change: c.6687G>T on transcript NM_001378452.1 (MANE Select); coding-DNA position 6687, G replaced by T.
Protein change: p.Lys2229Asn; replaces lysine 2229 with asparagine.
Molecular consequence: missense variant.
Genome position (GRCh38, 1-based): chr3:4,788,018, G>T. VCF-style: chr3-4788018-G-T. GRCh37 (hg19) VCF-style: chr3-4829702-G-T.
Other names: c.6543G>T, p.Lys2181Asn (NM_001099952.4); c.6642G>T, p.Lys2214Asn (NM_001168272.2); c.6498G>T, p.Lys2166Asn (NM_002222.7); short protein forms K2181N, K2166N, K2214N, K2229N.
Identifiers: ClinVar variation 4040401 (VCV004040401.2).
Genomic context (GRCh38, chr3:4,788,018, plus strand): 5'-AGACCGAACAATGGAACAGATAGTCTTTCCCGTGCCCAGCATATGTGAATTCCTAACCAA[G>T]GAGTCAAAACTACGAATTTACTATACTACAGAGAGAGACGAACAAGGCAGCAAAATCAAT-3'
Protein context (NP_001365381.1, residues 2219-2239): PVPSICEFLT[Lys2229Asn]ESKLRIYYTT